The following is an entry in ClinVar:

ClinVar aggregate classification (germline): Uncertain significance (1 of 4 stars; one submission).

Conditions:
Primary ciliary dyskinesia. Also called: Ciliary dyskinesia. Identifiers: Orphanet 244, MedGen C0008780, MONDO:0016575, HP:0012265.

gnomAD v4.1: 9 of 1,614,126 alleles (0.00056%); highest among the groups gnomAD compares: Non-Finnish European, 0.00076%; no homozygotes.

Submission:

Labcorp Genetics (formerly Invitae), Labcorp
Classification: Uncertain significance for Primary ciliary dyskinesia. Last evaluated: 2025-05-28. Review status: criteria provided, single submitter. Criteria: Invitae Variant Classification Sherloc (09022015). Collection method: clinical testing. Allele origin: germline.
Comment: This sequence change replaces glutamic acid, which is acidic and polar, with glutamine, which is neutral and polar, at codon 790 of the CCDC40 protein (p.Glu790Gln). This variant is not present in population databases (gnomAD no frequency). This variant has not been reported in the literature in individuals affected with CCDC40-related conditions. Invitae Evidence Modeling of protein sequence and biophysical properties (such as structural, functional, and spatial information, amino acid conservation, physicochemical variation, residue mobility, and thermodynamic stability) indicates that this missense variant is not expected to disrupt CCDC40 protein function with a negative predictive value of 80%. In summary, the available evidence is currently insufficient to determine the role of this variant in disease. Therefore, it has been classified as a Variant of Uncertain Significance.

NM_017950.4(CCDC40):c.2368G>C (p.Glu790Gln)

Gene: CCDC40 (coiled-coil domain 40 molecular ruler complex subunit; plus strand). Cytogenetic location: 17q25.3.
Variant type: single nucleotide variant.
Coding change: c.2368G>C on transcript NM_017950.4 (MANE Select); coding-DNA position 2368, G replaced by C.
Protein change: p.Glu790Gln; replaces glutamic acid 790 with glutamine.
Molecular consequence: missense variant.
Genome position (GRCh38, 1-based): chr17:80,086,135, G>C. VCF-style: chr17-80086135-G-C. GRCh37 (hg19) VCF-style: chr17-78059934-G-C.
Other names: c.2368G>C, p.Glu790Gln (NM_001243342.2); short protein forms E790Q.
Identifiers: ClinVar variation 4739660 (VCV004739660.1).